The following is an entry in ClinVar:

NM_001844.5(COL2A1):c.3137del (p.Pro1046fs)

Gene: COL2A1 (collagen type II alpha 1 chain; minus strand). Cytogenetic location: 12q13.11.
Variant type: Deletion.
Coding change: c.3137del on transcript NM_001844.5 (MANE Select); coding-DNA position 3137, one base deleted (C; older notation c.3137delC).
Protein change: p.Pro1046fs; shifts the reading frame from proline 1046.
Molecular consequence: frameshift variant.
Genome position (GRCh38, 1-based): chr12:47,977,628, G deleted on the plus strand (C on the coding strand, the reverse complement: COL2A1 is on the minus strand); the first of 6 consecutive G bases (chr12:47,977,628-47,977,633); deleting any one gives the same sequence. VCF-style (leftmost placement, unchanged base first): chr12-47977627-AG-A. GRCh37 (hg19) VCF-style: chr12-48371410-AG-A.
Other names: c.2930del, p.Pro977fs (NM_033150.3); c.3137delC (NM_001844.5); short protein forms P1046fs, P977fs.
Identifiers: ClinVar variation 963669 (VCV000963669.11), dbSNP rs1938797743, ClinGen allele CA1139662612.

ClinVar aggregate classification (germline): Pathogenic. Review status: criteria provided, multiple submitters, no conflicts (2 of 4 stars). 4 submissions from 4 submitters: Pathogenic (4). Last evaluated 2024-09-12.

Conditions:
COL2A1-related disorder. Also called: COL2A1-related condition; COL2A1-related disorders.
Stickler syndrome type 1 (STL1). Also called: STICKLER SYNDROME, MEMBRANOUS VITREOUS TYPE; STICKLER SYNDROME, VITREOUS TYPE 1; ARTHROOPHTHALMOPATHY, HEREDITARY PROGRESSIVE; COL2A1-Related Stickler Syndrome. Identifiers: Orphanet 828, Orphanet 90653, MedGen C2020284, MONDO:0007160, OMIM 108300.

Submissions (4):

Dept. Genetics and Cancer, Menzies Institute for Medical Research, University of Tasmania
Classification: Pathogenic for Stickler syndrome type 1. Last evaluated: 2024-09-12. Review status: criteria provided, single submitter. Criteria: ACMG Guidelines, 2015. Collection method: research. Allele origin: germline. Affected: yes. Observed: 1 variant allele.
Comment: COL2A1 NM_001844.5:c.3137delC p.(Pro1046Leufs*84). ACMG-AMP criteria: PM2_Supp, PS4_Supp, PVS1. Absent from population databases (gnomad v4.0), Reported in multiple unrelated probands (PMID:16752401;PMID:20179744), Frameshift variant predicted to undergo NMD.

GeneDx
Classification: Pathogenic. Last evaluated: 2024-07-12. Review status: criteria provided, single submitter. Criteria: GeneDx Variant Classification Process June 2021. Collection method: clinical testing. Allele origin: germline. Affected: yes.
Comment: Frameshift variant predicted to result in protein truncation or nonsense mediated decay in a gene for which loss of function is a known mechanism of disease; Not observed at significant frequency in large population cohorts (gnomAD); This variant is associated with the following publications: (PMID: 20179744, 16752401)

Labcorp Genetics (formerly Invitae), Labcorp
Classification: Pathogenic. Last evaluated: 2023-11-21. Review status: criteria provided, single submitter. Criteria: Invitae Variant Classification Sherloc (09022015). Collection method: clinical testing. Allele origin: germline.
Comment: This sequence change creates a premature translational stop signal (p.Pro1046Leufs*84) in the COL2A1 gene. It is expected to result in an absent or disrupted protein product. Loss-of-function variants in COL2A1 are known to be pathogenic (PMID: 20179744). This variant is not present in population databases (gnomAD no frequency). This premature translational stop signal has been observed in individual(s) with clinical features of Stickler syndrome (PMID: 16752401, 20179744). ClinVar contains an entry for this variant (Variation ID: 963669). For these reasons, this variant has been classified as Pathogenic.

Blueprint Genetics
Classification: Pathogenic for COL2A1-related disorders. Last evaluated: 2020-04-10. Review status: criteria provided, single submitter. Criteria: ACMG Guidelines, 2015. Collection method: clinical testing. Allele origin: germline. Affected: yes. Observed: 3 variant alleles.

Literature cited by the submitters: PubMed 20179744 (cited by Labcorp Genetics (formerly Invitae), Labcorp); PubMed 16752401 (cited by Labcorp Genetics (formerly Invitae), Labcorp).